The following is an entry in ClinVar:

NM_007144.3(PCGF2):c.*1063G>A

Genes: CISD3 (CDGSH iron sulfur domain 3; plus strand), PCGF2 (polycomb group ring finger 2; minus strand). Cytogenetic location: 17q12.
Variant type: single nucleotide variant.
Coding change: c.*1063G>A on transcript NM_007144.3 (MANE Select); 1063 bases downstream of the stop codon, G replaced by A.
Molecular consequence: 3 prime UTR variant.
Genome position (GRCh38, 1-based): chr17:38,734,160, C>T on the plus strand (G>A on the coding strand, the complement: PCGF2 is on the minus strand). VCF-style: chr17-38734160-C-T. GRCh37 (hg19) VCF-style: chr17-36890413-C-T.
Other names: c.*705C>T (NM_001136498.2); c.*1063G>A (NM_001369614.1, NM_001369615.1).
Identifiers: ClinVar variation 2647704 (VCV002647704.24), dbSNP rs144991968, ClinGen allele CA8524826.
Genomic context (GRCh38, chr17:38,734,160, plus strand): 5'-AATCTCGGTGGGCAGCGACCTGCCAGGGTCTGTCCCTAAGGAGGTGGTCCGCTGACCTCT[C>T]AAGGGGTGGGGGTGGGGTCAGAGCTTACAGGTTTCTGTCTTCTTGTGCTTTTAGATGCAG-3'

ClinVar aggregate classification (germline): Benign (1 of 4 stars; one submission).

Allele frequency attached by ClinVar (database versions not stated): 1000 Genomes Project 0.00120; 1000 Genomes Project 30x 0.00141; TOPMed 0.00341; ExAC 0.00425.

Submission:

CeGaT Center for Human Genetics Tuebingen
Classification: Benign. Last evaluated: 2022-10-01. Review status: criteria provided, single submitter. Criteria: CeGaT Center For Human Genetics Tuebingen Variant Classification Criteria Version 2. Collection method: clinical testing. Allele origin: germline. Affected: yes. Observed: 1 variant allele.
Comment: PCGF2: BS1, BS2